The following is an entry in ClinVar:

NM_015909.4(NBAS):c.1726-2A>G

Gene: NBAS (NBAS subunit of NRZ tethering complex; minus strand). Cytogenetic location: 2p24.3.
Variant type: single nucleotide variant.
Coding change: c.1726-2A>G on transcript NM_015909.4 (MANE Select); the canonical splice acceptor site of the intron before coding-DNA position 1726, A replaced by G.
Molecular consequence: splice acceptor variant.
Genome position (GRCh38, 1-based): chr2:15,468,535, T>C on the plus strand (A>G on the coding strand, the complement: NBAS is on the minus strand). VCF-style: chr2-15468535-T-C. GRCh37 (hg19) VCF-style: chr2-15608659-T-C.
Identifiers: ClinVar variation 1953987 (VCV001953987.6), dbSNP rs761703497, ClinGen allele CA1536564.
Genomic context (GRCh38, chr2:15,468,535, plus strand): 5'-TTTTCAGGAACTCTTTCCAAACACTCATGGAGAACCCAGGATCGCTTCTTTATTTTACTC[T>C]GCATATAAAGGAAGAAACAGAGGAATTACAGAATCCATGACATCTTACAACACATTACAA-3'

ClinVar aggregate classification (germline): Likely pathogenic. Review status: criteria provided, multiple submitters, no conflicts (2 of 4 stars). 2 submissions from 2 submitters: Likely pathogenic (2). Last evaluated 2025-10-09.

Conditions:
Acute infantile liver failure due to synthesis defect of mtDNA-encoded proteins. Also called: TRMU Deficiency; Liver failure acute infantile; LIVER FAILURE, INFANTILE, TRANSIENT. Identifiers: Orphanet 217371, MedGen C3278664, MONDO:0013111, OMIM 613070.

Allele frequency attached by ClinVar (database versions not stated): gnomAD exomes below 0.00001; ExAC 0.00001; gnomAD 0.00001; TOPMed 0.00003.
gnomAD v4.1: 5 of 1,613,572 alleles (0.00031%); highest among the groups gnomAD compares: African/African-American, 0.0053%; no homozygotes.

Submissions (2):

Women's Health and Genetics/Laboratory Corporation of America, LabCorp
Classification: Likely pathogenic for Acute infantile liver failure due to synthesis defect of mtDNA-encoded proteins. Last evaluated: 2025-10-09. Review status: criteria provided, single submitter. Criteria: LabCorp Variant Classification Summary - May 2015. Collection method: clinical testing. Allele origin: germline.
Comment: Variant summary: NBAS c.1726-2A>G is located in a canonical splice-site and is predicted to affect mRNA splicing resulting in a significantly altered protein due to either exon skipping, shortening, or inclusion of intronic material. Variants that disrupt the consensus splice site are a relatively common cause of aberrant splicing and loss of NBAS function. Consensus agreement among computation tools predict no significant impact on normal splicing. However, these predictions have yet to be confirmed by functional studies. The variant allele was found at a frequency of 4e-06 in 250900 control chromosomes. To our knowledge, no occurrence of c.1726-2A>G in individuals affected with NBAS-related conditions and no experimental evidence demonstrating its impact on protein function have been reported. ClinVar contains an entry for this variant (Variation ID: 1953987). Based on the evidence outlined above, the variant was classified as likely pathogenic.

Labcorp Genetics (formerly Invitae), Labcorp
Classification: Likely pathogenic. Last evaluated: 2024-10-10. Review status: criteria provided, single submitter. Criteria: Invitae Variant Classification Sherloc (09022015). Collection method: clinical testing. Allele origin: germline.
Comment: This sequence change affects an acceptor splice site in intron 16 of the NBAS gene. It is expected to disrupt RNA splicing. Variants that disrupt the donor or acceptor splice site typically lead to a loss of protein function (PMID: 16199547), and loss-of-function variants in NBAS are known to be pathogenic (PMID: 26073778, 26541327, 27789416, 28031453). This variant is present in population databases (rs761703497, gnomAD 0.007%). This variant has not been reported in the literature in individuals affected with NBAS-related conditions. ClinVar contains an entry for this variant (Variation ID: 1953987). Algorithms developed to predict the effect of sequence changes on RNA splicing suggest that this variant may disrupt the consensus splice site. In summary, the currently available evidence indicates that the variant is pathogenic, but additional data are needed to prove that conclusively. Therefore, this variant has been classified as Likely Pathogenic.

Literature cited by the submitters: PubMed 16199547 (cited by Labcorp Genetics (formerly Invitae), Labcorp); PubMed 26073778 (cited by Labcorp Genetics (formerly Invitae), Labcorp); PubMed 26541327 (cited by Labcorp Genetics (formerly Invitae), Labcorp); PubMed 27789416 (cited by Labcorp Genetics (formerly Invitae), Labcorp); PubMed 28031453 (cited by Labcorp Genetics (formerly Invitae), Labcorp).